The following is an entry in ClinVar:

NC_000023.11:g.(?_71108277)_(71108346_?)del

Gene: IL2RG (interleukin 2 receptor subunit gamma; minus strand). Cytogenetic location: Xq13.1.
Variant type: Deletion.
Identifiers: ClinVar variation 463377 (VCV000463377.1).

ClinVar aggregate classification (germline): Pathogenic (1 of 4 stars; one submission).

Conditions:
X-linked severe combined immunodeficiency (SCIDX1). Also called: T-B+ severe combined immunodeficiency due to gamma chain deficiency; IMMUNODEFICIENCY 4; X-Linked Combined Immunodeficiency Diseases; SCID, X-LINKED; SEVERE COMBINED IMMUNODEFICIENCY, X-LINKED, T CELL-NEGATIVE, B CELL-POSITIVE, NK CELL-NEGATIVE. Identifiers: Orphanet 276, MedGen C6022468, MONDO:0010315, OMIM 300400. Disease mechanism: loss of function.

Submission:

Labcorp Genetics (formerly Invitae), Labcorp
Classification: Pathogenic for X-linked severe combined immunodeficiency. Last evaluated: 2016-12-26. Review status: criteria provided, single submitter. Criteria: Invitae Variant Classification Sherloc (09022015). Collection method: clinical testing. Allele origin: germline.
Comment: This variant is a gross deletion of the genomic region encompassing exon 7 of the IL2RG gene. This creates a premature translational stop signal in the last exon that, while this is not anticipated to result in nonsense mediated decay, it is expected to delete the last 86 amino acids of the IL2RG protein. A similar deletion of exon 7 has been reported in the literature in two individuals affected with severe combined immunodeficiency (PMID: 21184155, Invitae). This deletion disrupts the cytoplasmic region of the IL2RG protein. Experimental studies have shown that this region is crucial for tyrosine kinase signal transduction and phosphorylation of Jak1 and Jak3 proteins, and deleting this region disrupts IL2RG protein function in the immune response (PMID: 7683423, 7973659, 7973658). For these reasons, this variant has been classified as Pathogenic.